The following is an entry in ClinVar:

NM_145868.2(ANXA11):c.253G>A (p.Val85Met)

Genes: ANXA11 (annexin A11; minus strand), LOC130004184 (ATAC-STARR-seq lymphoblastoid silent region 2543; plus strand). Cytogenetic location: 10q22.3.
Variant type: single nucleotide variant.
Coding change: c.253G>A on transcript NM_145868.2 (MANE Select); coding-DNA position 253, G replaced by A.
Protein change: p.Val85Met; replaces valine 85 with methionine.
Molecular consequence: missense variant.
Genome position (GRCh38, 1-based): chr10:80,169,277, C>T on the plus strand (G>A on the coding strand, the complement: ANXA11 is on the minus strand). VCF-style: chr10-80169277-C-T. GRCh37 (hg19) VCF-style: chr10-81929033-C-T.
Other names: c.253G>A, p.Val85Met (NM_001157.3, NM_001278407.2, NM_001278408.2 and 1 more transcripts); c.154G>A, p.Val52Met (NM_001278409.2); short protein forms V85M, V52M.
Identifiers: ClinVar variation 2985229 (VCV002985229.3), dbSNP rs752902480, ClinGen allele CA5576330.
Genomic context (GRCh38, chr10:80,169,277, plus strand): 5'-TCCCATAGGGAGGAACAGGCTGCTGGGCAGAGGGGGGCTGCCCAAAGCCGCCAGGGGGCA[C>T]TGGTGGGTAGCCAGCCCCAGGGGCCCCAGGGTACAGGTTGGGCATGTTGGCTCCTCCAAA-3'
Protein context (NP_665875.1, residues 75-95): PGAPGAGYPP[Val85Met]PPGGFGQPPS

ClinVar aggregate classification (germline): Uncertain significance (1 of 4 stars; one submission).

Allele frequency attached by ClinVar (database versions not stated): TOPMed below 0.00001; ExAC 0.00003.

Submission:

Labcorp Genetics (formerly Invitae), Labcorp
Classification: Uncertain significance. Last evaluated: 2023-05-22. Review status: criteria provided, single submitter. Criteria: Invitae Variant Classification Sherloc (09022015). Collection method: clinical testing. Allele origin: germline.
Comment: This variant is present in population databases (rs752902480, gnomAD 0.01%). This sequence change replaces valine, which is neutral and non-polar, with methionine, which is neutral and non-polar, at codon 85 of the ANXA11 protein (p.Val85Met). This variant has not been reported in the literature in individuals affected with ANXA11-related conditions. Experimental studies and prediction algorithms are not available or were not evaluated, and the functional significance of this variant is currently unknown. In summary, the available evidence is currently insufficient to determine the role of this variant in disease. Therefore, it has been classified as a Variant of Uncertain Significance.